The following is an entry in ClinVar:

ClinVar aggregate classification (germline): Likely benign. Review status: criteria provided, single submitter (1 of 4 stars). 2 submissions from 2 submitters: Likely benign (1). 1 of the submissions does not count toward it. Last evaluated 2026-01-28.

Conditions:
LONP1-related disorder. Also called: LONP1-related condition; LONP1-related disorders.

Allele frequency attached by ClinVar (database versions not stated): gnomAD exomes 0.00009; ExAC 0.00011; gnomAD 0.00023 and 0.00025; TOPMed 0.00039; 1000 Genomes Project 0.00040; ESP Exome Variant Server 0.00046; 1000 Genomes Project 30x 0.00047.

Submissions (2):

Labcorp Genetics (formerly Invitae), Labcorp
Classification: Likely benign. Last evaluated: 2026-01-28. Review status: criteria provided, single submitter. Criteria: Invitae Variant Classification Sherloc (09022015). Collection method: clinical testing. Allele origin: germline.

PreventionGenetics, part of Exact Sciences
Classification: Likely benign for LONP1-related condition. Last evaluated: 2019-03-20. Review status: no assertion criteria provided. Collection method: clinical testing. Allele origin: germline. Not counted in ClinVar's aggregate classification.
Comment: This variant is classified as likely benign based on ACMG/AMP sequence variant interpretation guidelines (Richards et al. 2015 PMID: 25741868, with internal and published modifications).

NM_004793.4(LONP1):c.2088G>A (p.Leu696=)

Gene: LONP1 (lon peptidase 1, mitochondrial; minus strand). Cytogenetic location: 19p13.3.
Variant type: single nucleotide variant.
Coding change: c.2088G>A on transcript NM_004793.4 (MANE Select); coding-DNA position 2088, G replaced by A.
Protein change: p.Leu696=; no amino-acid change (leucine 696 retained).
Molecular consequence: synonymous variant. On other transcripts: non-coding transcript variant (1).
Genome position (GRCh38, 1-based): chr19:5,694,827, C>T on the plus strand (G>A on the coding strand, the complement: LONP1 is on the minus strand). VCF-style: chr19-5694827-C-T. GRCh37 (hg19) VCF-style: chr19-5694838-C-T.
Other names: c.1896G>A, p.Leu632= (NM_001276479.2); c.1500G>A, p.Leu500= (NM_001276480.1); c.2088G>A (NM_004793.3).
Identifiers: ClinVar variation 1647631 (VCV001647631.10), dbSNP rs142106600, ClinGen allele CA9114297.